The following is an entry in ClinVar:

NM_001278716.2(FBXL4):c.1103+29T>C

Gene: FBXL4 (F-box and leucine rich repeat protein 4; minus strand). Cytogenetic location: 6q16.2.
Variant type: single nucleotide variant.
Coding change: c.1103+29T>C on transcript NM_001278716.2 (MANE Select); 29 bases into the intron after coding-DNA position 1103, T replaced by C.
Molecular consequence: intron variant.
Genome position (GRCh38, 1-based): chr6:98,905,397, A>G on the plus strand (T>C on the coding strand, the complement: FBXL4 is on the minus strand). VCF-style: chr6-98905397-A-G. GRCh37 (hg19) VCF-style: chr6-99353273-A-G.
Other names: c.1103+29T>C (NM_012160.5).
Identifiers: ClinVar variation 676917 (VCV000676917.1), dbSNP rs189497833, ClinGen allele CA3933543.

ClinVar aggregate classification (germline): Likely benign (1 of 4 stars; one submission).

Allele frequency attached by ClinVar (database versions not stated): 1000 Genomes Project 30x 0.00890; gnomAD 0.01031 and 0.01110; 1000 Genomes Project 0.00839.
gnomAD v4.1: 3,196 of 1,604,048 alleles (0.2%); highest among the groups gnomAD compares: African/African-American, 3.5%; 49 homozygotes.

Submission:

GeneDx
Classification: Likely benign. Last evaluated: 2018-06-16. Review status: criteria provided, single submitter. Criteria: GeneDx Variant Classification (06012015). Collection method: clinical testing. Allele origin: germline. Affected: yes.
Comment: This variant is considered likely benign or benign based on one or more of the following criteria: it is a conservative change, it occurs at a poorly conserved position in the protein, it is predicted to be benign by multiple in silico algorithms, and/or has population frequency not consistent with disease.